The following is an entry in ClinVar:

ClinVar aggregate classification (germline): Uncertain significance (1 of 4 stars; one submission).

Submission:

GeneDx
Classification: Uncertain significance. Last evaluated: 2026-02-12. Review status: criteria provided, single submitter. Criteria: GeneDx Variant Classification Process June 2021. Collection method: clinical testing. Allele origin: germline.
Comment: Identified in several patients with variable features of autoimmunity and lymphoproliferation, but it is unknown whether these individuals were screened for variants in other genes associated with this phenotype (PMID: 31770611); In silico analysis supports that this missense variant has a deleterious effect on protein structure/function; Not observed at significant frequency in large population cohorts (gnomAD); This variant is associated with the following publications: (PMID: 31770611, 17676033, 18602572)

NM_139276.3(STAT3):c.617T>G (p.Met206Arg)

Gene: STAT3 (signal transducer and activator of transcription 3; minus strand). Cytogenetic location: 17q21.2.
Variant type: single nucleotide variant.
Coding change: c.617T>G on transcript NM_139276.3 (MANE Select); coding-DNA position 617, T replaced by G.
Protein change: p.Met206Arg; replaces methionine 206 with arginine.
Molecular consequence: missense variant.
Genome position (GRCh38, 1-based): chr17:42,337,791, A>C on the plus strand (T>G on the coding strand, the complement: STAT3 is on the minus strand). VCF-style: chr17-42337791-A-C. GRCh37 (hg19) VCF-style: chr17-40489809-A-C.
Other names: c.617T>G, p.Met206Arg (NM_001369512.1, NM_001369513.1, NM_001369514.1 and 15 more transcripts); c.539T>G, p.Met180Arg (NM_001384985.1); c.521T>G, p.Met174Arg (NM_001384989.1); short protein forms M174R, M180R, M206R.
Identifiers: ClinVar variation 2579849 (VCV002579849.2), dbSNP rs2082288613, ClinGen allele CA399594169.